The following is an entry in ClinVar:

ClinVar aggregate classification (germline): Uncertain significance (1 of 4 stars; one submission).

Conditions:
Cardiomyopathy (CMYO). Also called: Cardiomyopathies. Identifiers: Orphanet 167848, MedGen C0878544, MONDO:0004994, HP:0001638. Inheritance: Various modes of inheritance.

Allele frequency attached by ClinVar (database versions not stated): gnomAD exomes below 0.00001.
gnomAD v4.1: 1 of 1,613,828 alleles (0.000062%); highest among the groups gnomAD compares: Non-Finnish European, 0.000085%; no homozygotes.

Submission:

Color Diagnostics, LLC DBA Color Health
Classification: Uncertain significance for Cardiomyopathy. Last evaluated: 2024-03-07. Review status: criteria provided, single submitter. Criteria: ACMG Guidelines, 2015. Collection method: clinical testing. Allele origin: germline.
Comment: This missense variant replaces aspartic acid with asparagine at codon 2650 of the RYR2 protein. Computational prediction is inconclusive regarding the impact of this variant on protein structure and function (internally defined REVEL score threshold 0.5 < inconclusive < 0.7, PMID: 27666373). To our knowledge, functional studies have not been reported for this variant. This variant has not been reported in individuals affected with cardiovascular disorders in the literature. This variant has been identified in 1/249020 chromosomes in the general population by the Genome Aggregation Database (gnomAD). The available evidence is insufficient to determine the role of this variant in disease conclusively. Therefore, this variant is classified as a Variant of Uncertain Significance.

NM_001035.3(RYR2):c.7948G>A (p.Asp2650Asn)

Gene: RYR2 (ryanodine receptor 2; plus strand). Cytogenetic location: 1q43.
Variant type: single nucleotide variant.
Coding change: c.7948G>A on transcript NM_001035.3 (MANE Select); coding-DNA position 7948, G replaced by A.
Protein change: p.Asp2650Asn; replaces aspartic acid 2650 with asparagine.
Molecular consequence: missense variant.
Genome position (GRCh38, 1-based): chr1:237,654,397, G>A. VCF-style: chr1-237654397-G-A. GRCh37 (hg19) VCF-style: chr1-237817697-G-A.
Other names: short protein forms D2650N.
Identifiers: ClinVar variation 1171320 (VCV001171320.3), dbSNP rs1160002244, ClinGen allele CA345400521.